The following is an entry in ClinVar:

NM_001145809.2(MYH14):c.3857C>A (p.Ala1286Asp)

Gene: MYH14 (myosin heavy chain 14; plus strand). Cytogenetic location: 19q13.33.
Variant type: single nucleotide variant.
Coding change: c.3857C>A on transcript NM_001145809.2 (MANE Select); coding-DNA position 3857, C replaced by A.
Protein change: p.Ala1286Asp; replaces alanine 1286 with aspartic acid.
Molecular consequence: missense variant.
Genome position (GRCh38, 1-based): chr19:50,278,114, C>A. VCF-style: chr19-50278114-C-A. GRCh37 (hg19) VCF-style: chr19-50781371-C-A.
Other names: p.Ala1245Asp; c.3758C>A, p.Ala1253Asp (NM_001077186.2); c.3734C>A, p.Ala1245Asp (NM_024729.4); short protein forms A1245D, A1253D, A1286D.
Identifiers: ClinVar variation 2683514 (VCV002683514.1), dbSNP rs747690351, ClinGen allele CA406956366.

ClinVar aggregate classification (germline): Uncertain significance (1 of 4 stars; one submission).

Submission:

Mayo Clinic Laboratories, Mayo Clinic
Classification: Uncertain significance. Last evaluated: 2023-01-13. Review status: criteria provided, single submitter. Criteria: ACMG Guidelines, 2015. Collection method: clinical testing. Allele origin: germline. Observed: 1 variant allele.
Comment: PM2